The following is an entry in ClinVar:

NC_000022.10:g.(40757640_40758984)_(40761061_40762439)del

Gene: ADSL (adenylosuccinate lyase; plus strand). Cytogenetic location: 22q13.1.
Variant type: Deletion.
Identifiers: ClinVar variation 3251370 (VCV003251370.2).

ClinVar aggregate classification (germline): Pathogenic (1 of 4 stars; one submission).

Conditions:
Adenylosuccinate lyase deficiency (ADSLD). Also called: ADSL DEFICIENCY. Identifiers: Orphanet 46, MedGen C0268126, MONDO:0007068, OMIM 103050.

Submission:

Women's Health and Genetics/Laboratory Corporation of America, LabCorp
Classification: Pathogenic for Adenylosuccinate lyase deficiency. Last evaluated: 2025-05-13. Review status: criteria provided, single submitter. Criteria: LabCorp Variant Classification Summary - May 2015. Collection method: clinical testing. Allele origin: germline.
Comment: Variant summary: The variant involves the deletion of exons 10-12 in the ADSL gene. A presumed nomenclature of c.(1010+1_1011-1)_(1368+1_1369-1)del has been designated for the purposes of this classification. This Copy Number Variant (CNV) is expected to alter the reading frame downstream of the deleted region, however as it encompasses the penultimate exon, it is expected to escape nonsense mediated decay (NMD) and may result in a truncated protein product. Within the disrupted region multiple missense/in-frame variants are reported in affected individuals (HGMD) and are classified as likely pathogenic/pathogenic in ClinVar, suggesting that the disrupted protein region is functionally important. The variant was absent in 21692 control chromosomes. To our knowledge, no occurrence of c.(1010+1_1011-1)_(1368+1_1369-1)del in individuals affected with Adenylosuccinate Lyase Deficiency and no experimental evidence demonstrating its impact on protein function have been reported. ClinVar contains an entry for this variant (Variation ID: 3251370). Based on the evidence outlined above, the variant was classified as pathogenic.